The following is an entry in ClinVar:

ClinVar aggregate classification (germline): Uncertain significance (1 of 4 stars; one submission).

Conditions:
Medium-chain acyl-coenzyme A dehydrogenase deficiency (ACADMD). Also called: MCADD; Medium chain acyl-CoA dehydrogenase deficiency; ACADM DEFICIENCY; MCAD Deficiency; MCADH DEFICIENCY; CARNITINE DEFICIENCY SECONDARY TO MEDIUM-CHAIN ACYL-CoA DEHYDROGENASE DEFICIENCY. Identifiers: Orphanet 42, MedGen C0220710, MONDO:0008721, OMIM 201450.

Submission:

Labcorp Genetics (formerly Invitae), Labcorp
Classification: Uncertain significance for Medium-chain acyl-coenzyme A dehydrogenase deficiency. Last evaluated: 2022-09-17. Review status: criteria provided, single submitter. Criteria: Invitae Variant Classification Sherloc (09022015). Collection method: clinical testing. Allele origin: germline.
Comment: In summary, the available evidence is currently insufficient to determine the role of this variant in disease. Therefore, it has been classified as a Variant of Uncertain Significance. Advanced modeling of protein sequence and biophysical properties (such as structural, functional, and spatial information, amino acid conservation, physicochemical variation, residue mobility, and thermodynamic stability) performed at Invitae indicates that this missense variant is not expected to disrupt ACADM protein function. This variant has not been reported in the literature in individuals affected with ACADM-related conditions. This variant is not present in population databases (gnomAD no frequency). This sequence change replaces alanine, which is neutral and non-polar, with glycine, which is neutral and non-polar, at codon 357 of the ACADM protein (p.Ala357Gly).

NM_000016.6(ACADM):c.1070C>G (p.Ala357Gly)

Gene: ACADM (acyl-CoA dehydrogenase medium chain; plus strand). Cytogenetic location: 1p31.1.
Variant type: single nucleotide variant.
Coding change: c.1070C>G on transcript NM_000016.6 (MANE Select); coding-DNA position 1070, C replaced by G.
Protein change: p.Ala357Gly; replaces alanine 357 with glycine.
Molecular consequence: missense variant.
Genome position (GRCh38, 1-based): chr1:75,761,246, C>G. VCF-style: chr1-75761246-C-G. GRCh37 (hg19) VCF-style: chr1-76226931-C-G.
Other names: c.1082C>G, p.Ala361Gly (NM_001127328.3); c.962C>G, p.Ala321Gly (NM_001286042.2); c.1169C>G, p.Ala390Gly (NM_001286043.2); c.503C>G, p.Ala168Gly (NM_001286044.2); short protein forms A168G, A321G, A357G, A361G, A390G.
Identifiers: ClinVar variation 1714036 (VCV001714036.5), dbSNP rs759115000, ClinGen allele CA340818105.
Genomic context (GRCh38, chr1:75,761,246, plus strand): 5'-ACCAGAGAGCAGCTTGGGAGGTTGATTCTGGTCGTCGAAATACCTATTATGCTTCTATTG[C>G]AAAGGCATTTGCTGGAGATATTGCAAATCAGTTAGCTACTGATGCTGTGCAGATACTTGG-3'
Protein context (NP_000007.1, residues 347-367): GRRNTYYASI[Ala357Gly]KAFAGDIANQ